The following is an entry in ClinVar:

ClinVar aggregate classification (germline): Likely benign (0 of 4 stars; one submission).

Conditions:
UCP3-related disorder. Also called: UCP3-related condition.

gnomAD v4.1: 17 of 1,613,992 alleles (0.0011%); highest among the groups gnomAD compares: Admixed American, 0.0067%; no homozygotes.

Submission:

PreventionGenetics, part of Exact Sciences
Classification: Likely benign for UCP3-related condition. Last evaluated: 2022-04-24. Review status: no assertion criteria provided. Collection method: clinical testing. Allele origin: germline.
Comment: This variant is classified as likely benign based on ACMG/AMP sequence variant interpretation guidelines (Richards et al. 2015 PMID: 25741868, with internal and published modifications).

NM_003356.4(UCP3):c.333G>A (p.Ala111=)

Gene: UCP3 (uncoupling protein 3; minus strand). Cytogenetic location: 11q13.4.
Variant type: single nucleotide variant.
Coding change: c.333G>A on transcript NM_003356.4 (MANE Select); coding-DNA position 333, G replaced by A.
Protein change: p.Ala111=; no amino-acid change (alanine 111 retained).
Molecular consequence: synonymous variant.
Genome position (GRCh38, 1-based): chr11:74,006,173, C>T on the plus strand (G>A on the coding strand, the complement: UCP3 is on the minus strand). VCF-style: chr11-74006173-C-T. GRCh37 (hg19) VCF-style: chr11-73717218-C-T.
Other names: c.333G>A, p.Ala111= (NM_022803.3).
Identifiers: ClinVar variation 3355531 (VCV003355531.1).